The following is an entry in ClinVar:

ClinVar aggregate classification (germline): Uncertain significance. Review status: criteria provided, single submitter (1 of 4 stars). 2 submissions from 2 submitters: Uncertain significance (1). 1 of the submissions does not count toward it. Last evaluated 2019-10-08.

Conditions:
Spastic paraplegia. Identifiers: MedGen C0037772, HP:0001258.
ARSI-related disorder. Also called: ARSI-related condition.

Allele frequency attached by ClinVar (database versions not stated): gnomAD exomes 0.00001; ExAC 0.00002; gnomAD 0.00002; TOPMed 0.00002.

Submissions (2):

Labcorp Genetics (formerly Invitae), Labcorp
Classification: Uncertain significance for Spastic paraplegia. Last evaluated: 2019-10-08. Review status: criteria provided, single submitter. Criteria: Invitae Variant Classification Sherloc (09022015). Collection method: clinical testing. Allele origin: germline.
Comment: In summary, the available evidence is currently insufficient to determine the role of this variant in disease. Therefore, it has been classified as a Variant of Uncertain Significance. Algorithms developed to predict the effect of missense changes on protein structure and function (SIFT, PolyPhen-2, Align-GVGD) all suggest that this variant is likely to be disruptive, but these predictions have not been confirmed by published functional studies and their clinical significance is uncertain. This variant has not been reported in the literature in individuals with ARSI-related conditions. This variant is present in population databases (rs759105703, ExAC 0.006%). This sequence change replaces glycine with serine at codon 205 of the ARSI protein (p.Gly205Ser). The glycine residue is highly conserved and there is a small physicochemical difference between glycine and serine.

PreventionGenetics, part of Exact Sciences
Classification: Uncertain significance for ARSI-related condition. Last evaluated: 2024-02-20. Review status: no assertion criteria provided. Collection method: clinical testing. Allele origin: germline. Not counted in ClinVar's aggregate classification.
Comment: The ARSI c.613G>A variant is predicted to result in the amino acid substitution p.Gly205Ser. To our knowledge, this variant has not been reported in the literature. This variant is reported in 0.0033% of alleles in individuals of South Asian descent in gnomAD. At this time, the clinical significance of this variant is uncertain due to the absence of conclusive functional and genetic evidence.

NM_001012301.4(ARSI):c.613G>A (p.Gly205Ser)

Gene: ARSI (arylsulfatase family member I; minus strand). Cytogenetic location: 5q32.
Variant type: single nucleotide variant.
Coding change: c.613G>A on transcript NM_001012301.4 (MANE Select); coding-DNA position 613, G replaced by A.
Protein change: p.Gly205Ser; replaces glycine 205 with serine.
Molecular consequence: missense variant.
Genome position (GRCh38, 1-based): chr5:150,298,311, C>T on the plus strand (G>A on the coding strand, the complement: ARSI is on the minus strand). VCF-style: chr5-150298311-C-T. GRCh37 (hg19) VCF-style: chr5-149677874-C-T.
Other names: c.613G>A (NM_001012301.3); short protein forms G205S.
Identifiers: ClinVar variation 971595 (VCV000971595.11), dbSNP rs759105703, ClinGen allele CA3510296.